The following is an entry in ClinVar:

ClinVar aggregate classification (germline): Uncertain significance (1 of 4 stars; one submission).

gnomAD v4.1: 1 of 1,612,614 alleles (0.000062%); highest among the groups gnomAD compares: Non-Finnish European, 0.000085%; no homozygotes.

Submission:

GeneDx
Classification: Uncertain significance. Last evaluated: 2022-01-24. Review status: criteria provided, single submitter. Criteria: GeneDx Variant Classification Process June 2021. Collection method: clinical testing. Allele origin: germline. Affected: yes.
Comment: Not observed at significant frequency in large population cohorts (gnomAD); In silico analysis supports that this missense variant does not alter protein structure/function; Occurs in the triple helical domain at the Y position in the canonical Gly-X-Y repeat; although this variant may have an effect on normal protein folding and function, missense substitution at the Y position is not a common mechanism of disease; Has not been previously published as pathogenic or benign to our knowledge

NM_000091.5(COL4A3):c.287G>A (p.Ser96Asn)

Genes: MFF-DT (MFF divergent transcript; minus strand), COL4A3 (collagen type IV alpha 3 chain; plus strand). Cytogenetic location: 2q36.3.
Variant type: single nucleotide variant.
Coding change: c.287G>A on transcript NM_000091.5 (MANE Select); coding-DNA position 287, G replaced by A.
Protein change: p.Ser96Asn; replaces serine 96 with asparagine.
Molecular consequence: missense variant.
Genome position (GRCh38, 1-based): chr2:227,244,958, G>A. VCF-style: chr2-227244958-G-A. GRCh37 (hg19) VCF-style: chr2-228109674-G-A.
Other names: short protein forms S96N.
Identifiers: ClinVar variation 1698203 (VCV001698203.2), dbSNP rs2125906629, ClinGen allele CA350860841.